The following is an entry in ClinVar:

NM_153717.3(EVC):c.1327C>T (p.Arg443Ter)

Gene: EVC (EvC ciliary complex subunit 1; plus strand). Cytogenetic location: 4p16.2.
Variant type: single nucleotide variant.
Coding change: c.1327C>T on transcript NM_153717.3 (MANE Select); coding-DNA position 1327, C replaced by T.
Protein change: p.Arg443Ter; replaces arginine 443 with a stop codon.
Molecular consequence: nonsense.
Genome position (GRCh38, 1-based): chr4:5,753,796, C>T. VCF-style: chr4-5753796-C-T. GRCh37 (hg19) VCF-style: chr4-5755523-C-T.
Other names: c.1327C>T, p.Arg443Ter (NM_001306090.2, NM_001306092.2); short protein forms R443*.
Identifiers: ClinVar variation 1332830 (VCV001332830.7), dbSNP rs1730760070, ClinGen allele CA356155705.

ClinVar aggregate classification (germline): Pathogenic. Review status: criteria provided, multiple submitters, no conflicts (2 of 4 stars). 3 submissions from 3 submitters: Pathogenic (3). Last evaluated 2024-07-30.

Conditions:
Ellis-van Creveld syndrome (EVC). Also called: MESOECTODERMAL DYSPLASIA; EVC-Related Ellis-van Creveld Syndrome; Chondroectodermal dysplasia; EVC2-Related Ellis-van Creveld Syndrome. Identifiers: Orphanet 289, MedGen C0013903, MONDO:0009162, OMIM 225500.
Curry-Hall syndrome (WAD). Also called: WEYERS ACRODENTAL DYSOSTOSIS. Identifiers: Orphanet 952, MedGen C0457013, MONDO:0008673, OMIM 193530.

Submissions (3):

3billion
Classification: Pathogenic for Ellis-van Creveld syndrome. Last evaluated: 2024-07-30. Review status: criteria provided, single submitter. Criteria: ACMG Guidelines, 2015. Collection method: clinical testing. Allele origin: germline. Affected: yes.
Comment: The variant is observed at an extremely low frequency in the gnomAD v4.0.0 dataset (total allele frequency: <0.001%). Predicted Consequence/Location: Stop-gained (nonsense): predicted to result in a loss or disruption of normal protein function through nonsense-mediated decay (NMD) or protein truncation. Multiple pathogenic variants are reported downstream of the variant. The variant has been reported at least twice as pathogenic without evidence for the classification (ClinVar ID: VCV001332830). Therefore, this variant is classified as Pathogenic according to the recommendation of ACMG/AMP guideline.

Labcorp Genetics (formerly Invitae), Labcorp
Classification: Pathogenic for Curry-Hall syndrome; Ellis-van Creveld syndrome. Last evaluated: 2024-01-30. Review status: criteria provided, single submitter. Criteria: Invitae Variant Classification Sherloc (09022015). Collection method: clinical testing. Allele origin: germline.
Comment: This sequence change creates a premature translational stop signal (p.Arg443*) in the EVC gene. It is expected to result in an absent or disrupted protein product. Loss-of-function variants in EVC are known to be pathogenic (PMID: 23220543). This variant is not present in population databases (gnomAD no frequency). This premature translational stop signal has been observed in individual(s) with Ellis-van Creveld syndrome (PMID: 30805457). ClinVar contains an entry for this variant (Variation ID: 1332830). Algorithms developed to predict the effect of sequence changes on RNA splicing suggest that this variant may disrupt the consensus splice site. For these reasons, this variant has been classified as Pathogenic.

Kasturba Medical College, Manipal, Kasturba Medical College, Manipal, Manipal Academy of Higher Education, Manipal, India
Classification: Pathogenic for Ellis-van Creveld syndrome. Review status: criteria provided, single submitter. Criteria: ACMG Guidelines, 2015. Collection method: clinical testing. Allele origin: inherited. Inheritance: Autosomal recessive inheritance. Affected: yes.

Literature cited by the submitters: PubMed 23220543 (cited by Labcorp Genetics (formerly Invitae), Labcorp); PubMed 30805457 (cited by Labcorp Genetics (formerly Invitae), Labcorp and Kasturba Medical College, Manipal, Kasturba Medical College, Manipal, Manipal Academy of Higher Education, Manipal, India).